The following is an entry in ClinVar:

NM_004656.4(BAP1):c.1820C>T (p.Thr607Met)

Gene: BAP1 (BRCA1 associated deubiquitinase 1; minus strand). Cytogenetic location: 3p21.1.
Variant type: single nucleotide variant.
Coding change: c.1820C>T on transcript NM_004656.4 (MANE Select); coding-DNA position 1820, C replaced by T.
Protein change: p.Thr607Met; replaces threonine 607 with methionine.
Molecular consequence: missense variant.
Genome position (GRCh38, 1-based): chr3:52,403,208, G>A on the plus strand (C>T on the coding strand, the complement: BAP1 is on the minus strand). VCF-style: chr3-52403208-G-A. GRCh37 (hg19) VCF-style: chr3-52437224-G-A.
Other names: short protein forms T607M.
Identifiers: ClinVar variation 412439 (VCV000412439.21), dbSNP rs770654975, ClinGen allele CA2436709.
Genomic context (GRCh38, chr3:52,403,208, plus strand): 5'-TATTTCTCCCCACTCAAGGGCTCGCCAGGCCTCACCATCCCCGTCTTCTCTCTGCTGTCC[G>A]TGGCTTCCACGACCTCCTTCTCCACTGGGCTGCTGGACCCCTGGCTGCCTTGGATTGGTC-3'
Protein context (NP_004647.1, residues 597-617): SPVEKEVVEA[Thr607Met]DSREKTGMVR

ClinVar aggregate classification (germline): Conflicting classifications of pathogenicity. Review status: criteria provided, conflicting classifications (1 of 4 stars). 6 submissions from 6 submitters: Uncertain significance (4); Likely benign (2). Last evaluated 2026-01-12.

Conditions:
BAP1-related tumor predisposition syndrome (TPDS1). Also called: BAP1 tumor predisposition syndrome; Tumor susceptibility linked to germline BAP1 mutations; TUMOR PREDISPOSITION SYNDROME 1; COMMON Syndrome. Identifiers: Orphanet 289539, MedGen C3280492, MONDO:0013692, OMIM 614327.
Hereditary cancer-predisposing syndrome. Also called: Neoplastic Syndromes, Hereditary; Tumor predisposition; Hereditary Cancer Syndrome; Hereditary neoplastic syndrome. Identifiers: Orphanet 140162, MedGen C0027672, MeSH D009386, MONDO:0015356.

Allele frequency attached by ClinVar (database versions not stated): gnomAD 0.00001; TOPMed 0.00001; gnomAD exomes 0.00002; ExAC 0.00003.
gnomAD v4.1: 10 of 1,614,016 alleles (0.00062%); highest among the groups gnomAD compares: East Asian, 0.0089%; no homozygotes.

Submissions (6):

Labcorp Genetics (formerly Invitae), Labcorp
Classification: Uncertain significance for BAP1-related tumor predisposition syndrome. Last evaluated: 2026-01-12. Review status: criteria provided, single submitter. Criteria: Invitae Variant Classification Sherloc (09022015). Collection method: clinical testing. Allele origin: germline.
Comment: This sequence change replaces threonine, which is neutral and polar, with methionine, which is neutral and non-polar, at codon 607 of the BAP1 protein (p.Thr607Met). This variant is present in population databases (rs770654975, gnomAD 0.02%). This variant has not been reported in the literature in individuals affected with BAP1-related conditions. ClinVar contains an entry for this variant (Variation ID: 412439). Invitae Evidence Modeling of protein sequence and biophysical properties (such as structural, functional, and spatial information, amino acid conservation, physicochemical variation, residue mobility, and thermodynamic stability) indicates that this missense variant is not expected to disrupt BAP1 protein function with a negative predictive value of 80%. In summary, the available evidence is currently insufficient to determine the role of this variant in disease. Therefore, it has been classified as a Variant of Uncertain Significance.

GeneDx
Classification: Uncertain significance. Last evaluated: 2025-05-28. Review status: criteria provided, single submitter. Criteria: GeneDx Variant Classification Process June 2021. Collection method: clinical testing. Allele origin: germline. Affected: yes.
Comment: In silico analysis suggests that this missense variant does not alter protein structure/function; Has not been previously published as pathogenic or benign to our knowledge; This variant is associated with the following publications: (PMID: 27149842)

Ambry Genetics
Classification: Likely benign for Hereditary cancer-predisposing syndrome. Last evaluated: 2023-08-01. Review status: criteria provided, single submitter. Criteria: Ambry Variant Classification Scheme 2023. Collection method: clinical testing. Allele origin: germline.

Sema4
Classification: Likely benign for Hereditary cancer-predisposing syndrome. Last evaluated: 2021-08-10. Review status: criteria provided, single submitter. Criteria: Sema4 Curation Guidelines. Collection method: curation. Allele origin: germline.

Color Diagnostics, LLC DBA Color Health
Classification: Uncertain significance for Hereditary cancer-predisposing syndrome. Last evaluated: 2021-02-04. Review status: criteria provided, single submitter. Criteria: ACMG Guidelines, 2015. Collection method: clinical testing. Allele origin: germline.
Comment: This missense variant replaces threonine with methionine at codon 607 of the BAP1 protein. Computational prediction suggests that this variant may not impact protein structure and function (internally defined REVEL score threshold <= 0.5, PMID: 27666373). Splice site prediction tools suggest that this variant may not impact RNA splicing. To our knowledge, functional studies have not been performed for this variant. This variant has not been reported in individuals affected with hereditary cancer in the literature. This variant has been identified in 6/251404 chromosomes in the general population by the Genome Aggregation Database (gnomAD). The available evidence is insufficient to determine the role of this variant in disease conclusively. Therefore, this variant is classified as a Variant of Uncertain Significance.

Mendelics
Classification: Uncertain significance for BAP1-related tumor predisposition syndrome. Last evaluated: 2019-05-28. Review status: criteria provided, single submitter. Criteria: Mendelics Assertion Criteria 2017. Collection method: clinical testing. Allele origin: unknown.